The following is an entry in ClinVar:

ClinVar aggregate classification (germline): Likely benign. Review status: criteria provided, single submitter (1 of 4 stars). 2 submissions from 1 submitter: Likely benign (2). Last evaluated 2018-01-12.

Conditions:
Charcot-Marie-Tooth disease type 4C (CMT4C). Also called: CHARCOT-MARIE-TOOTH DISEASE, DEMYELINATING, AUTOSOMAL RECESSIVE, TYPE 4C; CMT 4C; Charcot-Marie-Tooth Neuropathy Type 4C (CMT4C); CHARCOT-MARIE-TOOTH DISEASE, DEMYELINATING, TYPE 4C; SH3TC2-Related Hereditary Motor and Sensory Neuropathy. Identifiers: Orphanet 99949, MedGen C1866636, MONDO:0011113, OMIM 601596.
Susceptibility to mononeuropathy of the median nerve, mild. Also called: CARPAL TUNNEL SYNDROME, SUSCEPTIBILITY TO. Identifiers: MedGen C3150596, MONDO:0013237, OMIM 613353.

Allele frequency attached by ClinVar (database versions not stated): gnomAD exomes 0.00016; ExAC 0.00021; gnomAD 0.00032 and 0.00033; 1000 Genomes Project 0.00040; TOPMed 0.00091.
gnomAD v4.1: 64 of 356,134 alleles (0.018%); highest among the groups gnomAD compares: Admixed American, 0.18%; 2 homozygotes.

Submissions (2):

Illumina Laboratory Services, Illumina
Classification: Likely benign for Charcot-Marie-Tooth disease type 4C. Last evaluated: 2018-01-12. Review status: criteria provided, single submitter. Criteria: ICSL Variant Classification Criteria 13 December 2019. Collection method: clinical testing. Allele origin: germline.
Comment: This variant was observed in the ICSL laboratory as part of a predisposition screen in an ostensibly healthy population. It had not been previously curated by ICSL or reported in the Human Gene Mutation Database (HGMD: prior to June 1st, 2018), and was therefore a candidate for classification through an automated scoring system. Utilizing variant allele frequency, disease prevalence and penetrance estimates, and inheritance mode, an automated score was calculated to assess if this variant is too frequent to cause the disease. Based on the score and internal cut-off values, a variant classified as likely benign is not then subjected to further curation. The score for this variant resulted in a classification of likely benign for this disease.

Illumina Laboratory Services, Illumina
Classification: Likely benign for Susceptibility to mononeuropathy of the median nerve, mild. Last evaluated: 2018-01-12. Review status: criteria provided, single submitter. Criteria: ICSL Variant Classification Criteria 13 December 2019. Collection method: clinical testing. Allele origin: germline.
Comment: the same text as in the submission from Illumina Laboratory Services, Illumina above.

NM_024577.4(SH3TC2):c.*837G>A

Gene: SH3TC2 (SH3 domain and tetratricopeptide repeats 2; minus strand). Cytogenetic location: 5q32.
Variant type: single nucleotide variant.
Coding change: c.*837G>A on transcript NM_024577.4 (MANE Select); 837 bases downstream of the stop codon, G replaced by A.
Molecular consequence: 3 prime UTR variant.
Genome position (GRCh38, 1-based): chr5:149,003,874, C>T on the plus strand (G>A on the coding strand, the complement: SH3TC2 is on the minus strand). VCF-style: chr5-149003874-C-T. GRCh37 (hg19) VCF-style: chr5-148383437-C-T.
Identifiers: ClinVar variation 351880 (VCV000351880.5), dbSNP rs565462353, ClinGen allele CA3498594.